The following is an entry in ClinVar:

ClinVar aggregate classification (germline): Benign. Review status: criteria provided, multiple submitters, no conflicts (2 of 4 stars). 11 submissions from 11 submitters: Benign (7). 4 of the submissions do not count toward it. Last evaluated 2026-02-04.

Conditions:
X-linked myopathy with postural muscle atrophy. Also called: FHL1-Related Emery-Dreifuss Muscular Dystrophy, X-Linked. Identifiers: Orphanet 178461, MedGen C2678055, MONDO:0010401, OMIM 300696.

Allele frequency attached by ClinVar (database versions not stated): ESP Exome Variant Server 0.00237; 1000 Genomes Project 0.00689; 1000 Genomes Project 30x 0.00728; ExAC 0.00742; gnomAD exomes 0.01119 and 0.02033; TOPMed 0.01248; gnomAD 0.01251 and 0.01269.
gnomAD v4.1: 23,359 of 1,205,075 alleles (1.9%); highest among the groups gnomAD compares: Non-Finnish European, 2.4%; 200 homozygotes.

Submissions (11):

Labcorp Genetics (formerly Invitae), Labcorp
Classification: Benign for X-linked myopathy with postural muscle atrophy. Last evaluated: 2026-02-04. Review status: criteria provided, single submitter. Criteria: Invitae Variant Classification Sherloc (09022015). Collection method: clinical testing. Allele origin: germline.

ARUP Laboratories, Molecular Genetics and Genomics, ARUP Laboratories
Classification: Benign. Last evaluated: 2025-05-23. Review status: criteria provided, single submitter. Criteria: ARUP Molecular Germline Variant Investigation Process 2024. Collection method: clinical testing. Allele origin: germline.

Blueprint Genetics
Classification: Benign. Last evaluated: 2024-11-28. Review status: criteria provided, single submitter. Criteria: ACMG Guidelines, 2015. Collection method: clinical testing. Allele origin: germline.

Women's Health and Genetics/Laboratory Corporation of America, LabCorp
Classification: Benign. Last evaluated: 2023-07-29. Review status: criteria provided, single submitter. Criteria: LabCorp Variant Classification Summary - May 2015. Collection method: clinical testing. Allele origin: germline.

GeneDx
Classification: Benign. Last evaluated: 2016-03-04. Review status: criteria provided, single submitter. Criteria: GeneDx Variant Classification (06012015). Collection method: clinical testing. Allele origin: germline. Affected: yes.
Comment: This variant is considered likely benign or benign based on one or more of the following criteria: it is a conservative change, it occurs at a poorly conserved position in the protein, it is predicted to be benign by multiple in silico algorithms, and/or has population frequency not consistent with disease.

Eurofins Ntd Llc (ga)
Classification: Benign. Last evaluated: 2015-05-22. Review status: criteria provided, single submitter. Criteria: EGL Classification Definitions 2015. Collection method: clinical testing. Allele origin: germline. Observed: 1 variant allele, 1 heterozygote.

Breakthrough Genomics
Classification: Benign. Review status: criteria provided, single submitter. Criteria: ACMG Guidelines, 2015. Collection method: not provided. Allele origin: germline. Inheritance: X-linked inheritance. Affected: yes.

Clinical Genetics DNA and cytogenetics Diagnostics Lab, Erasmus MC, Erasmus Medical Center
Classification: Benign. Review status: no assertion criteria provided. Collection method: clinical testing. Allele origin: germline. Affected: yes. Study: VKGL Data-share Consensus. Not counted in ClinVar's aggregate classification.

Genome Diagnostics Laboratory, University Medical Center Utrecht
Classification: Benign. Review status: no assertion criteria provided. Collection method: clinical testing. Allele origin: germline. Affected: yes. Study: VKGL Data-share Consensus. Not counted in ClinVar's aggregate classification.

Joint Genome Diagnostic Labs from Nijmegen and Maastricht, Radboudumc and MUMC+
Classification: Benign. Review status: no assertion criteria provided. Collection method: clinical testing. Allele origin: germline. Affected: yes. Study: VKGL Data-share Consensus. Not counted in ClinVar's aggregate classification.

Laboratory of Diagnostic Genome Analysis, Leiden University Medical Center (LUMC)
Classification: Likely benign. Review status: no assertion criteria provided. Collection method: clinical testing. Allele origin: germline. Affected: yes. Study: VKGL Data-share Consensus. Not counted in ClinVar's aggregate classification.

NM_001159699.2(FHL1):c.737-13T>C

Gene: FHL1 (four and a half LIM domains 1; plus strand). Cytogenetic location: Xq26.3.
Variant type: single nucleotide variant.
Coding change: c.737-13T>C on transcript NM_001159699.2 (MANE Select); 13 bases into the intron before coding-DNA position 737, T replaced by C.
Molecular consequence: intron variant.
Genome position (GRCh38, 1-based): chrX:136,209,858, T>C. VCF-style: chrX-136209858-T-C. GRCh37 (hg19) VCF-style: chrX-135292017-T-C.
Other names: c.889-13T>C (NM_001159702.2, NM_001159702.3, NM_001369326.1 and 2 more transcripts); c.689-13T>C (NM_001449.5, NM_001369329.1, NM_001369330.1 and 4 more transcripts); c.502-13T>C (NM_001159703.2); c.776-13T>C (NM_001159701.2); c.550-13T>C (NM_001330659.2).
Identifiers: ClinVar variation 198464 (VCV000198464.34), dbSNP rs11798700, ClinGen allele CA203462.